The following is an entry in ClinVar:

ClinVar aggregate classification (germline): Uncertain significance. Review status: criteria provided, multiple submitters, no conflicts (2 of 4 stars). 2 submissions from 2 submitters: Uncertain significance (2). Last evaluated 2025-08-11.

Conditions:
Inborn genetic diseases. Identifiers: MedGen C0950123, MeSH D030342.

Allele frequency attached by ClinVar (database versions not stated): gnomAD 0.00001.
gnomAD v4.1: 18 of 1,613,200 alleles (0.0011%); highest among the groups gnomAD compares: Admixed American, 0.005%; no homozygotes.

Submissions (2):

Ambry Genetics
Classification: Uncertain significance for Inborn genetic diseases. Last evaluated: 2025-08-11. Review status: criteria provided, single submitter. Criteria: Ambry Variant Classification Scheme 2023. Collection method: clinical testing. Allele origin: germline.

Labcorp Genetics (formerly Invitae), Labcorp
Classification: Uncertain significance. Last evaluated: 2024-01-06. Review status: criteria provided, single submitter. Criteria: Invitae Variant Classification Sherloc (09022015). Collection method: clinical testing. Allele origin: germline.
Comment: This sequence change replaces serine, which is neutral and polar, with leucine, which is neutral and non-polar, at codon 605 of the LONP1 protein (p.Ser605Leu). This variant is present in population databases (rs369728825, gnomAD 0.006%). This variant has not been reported in the literature in individuals affected with LONP1-related conditions. ClinVar contains an entry for this variant (Variation ID: 1896225). Advanced modeling of protein sequence and biophysical properties (such as structural, functional, and spatial information, amino acid conservation, physicochemical variation, residue mobility, and thermodynamic stability) performed at Invitae indicates that this missense variant is expected to disrupt LONP1 protein function with a positive predictive value of 80%. In summary, the available evidence is currently insufficient to determine the role of this variant in disease. Therefore, it has been classified as a Variant of Uncertain Significance.

NM_004793.4(LONP1):c.1814C>T (p.Ser605Leu)

Gene: LONP1 (lon peptidase 1, mitochondrial; minus strand). Cytogenetic location: 19p13.3.
Variant type: single nucleotide variant.
Coding change: c.1814C>T on transcript NM_004793.4 (MANE Select); coding-DNA position 1814, C replaced by T.
Protein change: p.Ser605Leu; replaces serine 605 with leucine.
Molecular consequence: missense variant. On other transcripts: non-coding transcript variant (1).
Genome position (GRCh38, 1-based): chr19:5,696,331, G>A on the plus strand (C>T on the coding strand, the complement: LONP1 is on the minus strand). VCF-style: chr19-5696331-G-A. GRCh37 (hg19) VCF-style: chr19-5696342-G-A.
Other names: c.1622C>T, p.Ser541Leu (NM_001276479.2); c.1226C>T, p.Ser409Leu (NM_001276480.1); short protein forms S541L, S409L, S605L.
Identifiers: ClinVar variation 1896225 (VCV001896225.7), dbSNP rs369728825, ClinGen allele CA9114462.